The following is an entry in ClinVar:

NM_005121.3(MED13):c.6121C>G (p.Gln2041Glu)

Gene: MED13 (mediator complex subunit 13; minus strand). Cytogenetic location: 17q23.2.
Variant type: single nucleotide variant.
Coding change: c.6121C>G on transcript NM_005121.3 (MANE Select); coding-DNA position 6121, C replaced by G.
Protein change: p.Gln2041Glu; replaces glutamine 2041 with glutamic acid.
Molecular consequence: missense variant.
Genome position (GRCh38, 1-based): chr17:61,950,995, G>C on the plus strand (C>G on the coding strand, the complement: MED13 is on the minus strand). VCF-style: chr17-61950995-G-C. GRCh37 (hg19) VCF-style: chr17-60028356-G-C.
Other names: short protein forms Q2041E.
Identifiers: ClinVar variation 3252292 (VCV003252292.2), dbSNP rs2509202845.
Genomic context (GRCh38, chr17:61,950,995, plus strand): 5'-GCTGAAGAATATTAGGTACTTCCTCATGAGGTTCTGTTGATAGTAGCCGATCAGTACTCT[G>C]ACCCTTAAAAAGACAAAATTAAAAGTATATTAGTTCACTCAGTGTAACTAAGTACCAGAT-3'
Protein context (NP_005112.2, residues 2031-2051): YPHGGDAGKG[Gln2041Glu]STDRLLSTEP

ClinVar aggregate classification (germline): Uncertain significance (1 of 4 stars; one submission).

Submission:

GeneDx
Classification: Uncertain significance. Last evaluated: 2025-11-10. Review status: criteria provided, single submitter. Criteria: GeneDx Variant Classification Process June 2021. Collection method: clinical testing. Allele origin: germline.
Comment: Not observed at significant frequency in large population cohorts (gnomAD); In silico analysis suggests that this missense variant does not alter protein structure/function; Has not been previously published as pathogenic or benign to our knowledge